The following is an entry in ClinVar:

ClinVar aggregate classification (germline): Pathogenic (1 of 4 stars; one submission).

Conditions:
Familial adenomatous polyposis 1 (FAP1). Also called: FAMILIAL ADENOMATOUS POLYPOSIS 1, ATTENUATED; POLYPOSIS, ADENOMATOUS INTESTINAL. Identifiers: MedGen C2713442, MONDO:0021056, OMIM 175100. Disease mechanism: loss of function.

Submission:

Labcorp Genetics (formerly Invitae), Labcorp
Classification: Pathogenic for Familial adenomatous polyposis 1. Last evaluated: 2025-12-01. Review status: criteria provided, single submitter. Criteria: Invitae Variant Classification Sherloc (09022015). Collection method: clinical testing. Allele origin: germline.
Comment: This sequence change creates a premature translational stop signal (p.Thr489Asnfs*2) in the APC gene. It is expected to result in an absent or disrupted protein product. Loss-of-function variants in APC are known to be pathogenic (PMID: 17963004, 20685668). This variant is not present in population databases (gnomAD no frequency). This variant has not been reported in the literature in individuals affected with APC-related conditions. For these reasons, this variant has been classified as Pathogenic.

Literature cited by the submitters: PubMed 17963004; PubMed 20685668.

NM_000038.6(APC):c.1465dup (p.Thr489fs)

Gene: APC (APC regulator of Wnt signaling pathway; plus strand). Cytogenetic location: 5q22.2.
Variant type: Duplication.
Coding change: c.1465dup on transcript NM_000038.6 (MANE Select); coding-DNA position 1465, one base duplicated (A; older notation c.1465dupA).
Protein change: p.Thr489fs; shifts the reading frame from threonine 489.
Molecular consequence: frameshift variant.
Genome position (GRCh38, 1-based): chr5:112,827,164, A duplicated. VCF-style (leftmost placement, unchanged base first): chr5-112827163-T-TA. GRCh37 (hg19) VCF-style: chr5-112162860-T-TA.
Other names: c.1465dup, p.Thr489fs (NM_001127510.3, NM_001354895.2, NM_001407450.1); c.1411dup, p.Thr471fs (NM_001127511.3); c.1519dup, p.Thr507fs (NM_001354896.2, NM_001407447.1, NM_001407448.1 and 1 more transcripts); c.1495dup, p.Thr499fs (NM_001354897.2); c.1390dup, p.Thr464fs (NM_001354898.2); c.1381dup, p.Thr461fs (NM_001354899.2); c.1342dup, p.Thr448fs (NM_001354900.2); c.1288dup, p.Thr430fs (NM_001354901.2, NM_001407453.1); and 11 more; short protein forms T464fs, T206fs, T329fs, T360fs, T430fs, T461fs, T499fs, T105fs.
Identifiers: ClinVar variation 4732289 (VCV004732289.1).